The following is an entry in ClinVar:

ClinVar aggregate classification (germline): Benign/Likely benign. Review status: criteria provided, multiple submitters, no conflicts (2 of 4 stars). 3 submissions from 3 submitters: Benign (1); Likely benign (1). 1 of the submissions does not count toward it. Last evaluated 2026-06-01.

Conditions:
ARHGEF1-related disorder. Also called: ARHGEF1-related condition.

Submissions (3):

CeGaT Center for Human Genetics Tuebingen
Classification: Likely benign. Last evaluated: 2026-06-01. Review status: criteria provided, single submitter. Criteria: CeGaT Center For Human Genetics Tuebingen Variant Classification Criteria Version 2. Collection method: clinical testing. Allele origin: germline. Affected: yes. Observed: 3 variant alleles.
Comment: ARHGEF1: BS2

Labcorp Genetics (formerly Invitae), Labcorp
Classification: Benign. Last evaluated: 2026-01-22. Review status: criteria provided, single submitter. Criteria: Invitae Variant Classification Sherloc (09022015). Collection method: clinical testing. Allele origin: germline.

PreventionGenetics, part of Exact Sciences
Classification: Likely benign for ARHGEF1-related condition. Last evaluated: 2023-12-11. Review status: no assertion criteria provided. Collection method: clinical testing. Allele origin: germline. Not counted in ClinVar's aggregate classification.
Comment: This variant is classified as likely benign based on ACMG/AMP sequence variant interpretation guidelines (Richards et al. 2015 PMID: 25741868, with internal and published modifications).

NM_004706.4(ARHGEF1):c.1414+9_1414+44del

Gene: ARHGEF1 (Rho guanine nucleotide exchange factor 1; plus strand). Cytogenetic location: 19q13.2.
Variant type: Deletion.
Coding change: c.1414+9_1414+44del on transcript NM_004706.4 (MANE Select); bases 9 to 44 of the intron after coding-DNA position 1414, 36 bases deleted.
Molecular consequence: intron variant.
Genome position (GRCh38, 1-based): chr19:41,902,042-41,902,077, 36 bases deleted; deleting any 36 consecutive bases within chr19:41,902,041-41,902,077 gives the same sequence; the c. name uses the placement nearest the transcript's 3' end. GRCh37 (hg19): chr19:42,406,192-42,406,227.
Other names: c.1315+9_1315+44del (NM_198977.2); c.1459+9_1459+44del (NM_199002.2); c.1459+9_1459+44del36 (NM_199002.1).
Identifiers: ClinVar variation 1170705 (VCV001170705.34), dbSNP rs533164272, ClinGen allele CA9466349.